The following is an entry in ClinVar:

NM_138694.4(PKHD1):c.9522del (p.Asp3174fs)

Gene: PKHD1 (PKHD1 ciliary IPT domain containing fibrocystin/polyductin; minus strand). Cytogenetic location: 6p12.3.
Variant type: Deletion.
Coding change: c.9522del on transcript NM_138694.4 (MANE Select); coding-DNA position 9522, one base deleted (C; older notation c.9522delC).
Protein change: p.Asp3174fs; shifts the reading frame from aspartic acid 3174.
Molecular consequence: frameshift variant.
Genome position (GRCh38, 1-based): chr6:51,748,094, G deleted on the plus strand (C on the coding strand, the reverse complement: PKHD1 is on the minus strand). VCF-style (leftmost placement, unchanged base first): chr6-51748093-TG-T. GRCh37 (hg19) VCF-style: chr6-51612891-TG-T.
Other names: c.9522del, p.Asp3174fs (NM_170724.3); short protein forms D3174fs.
Identifiers: ClinVar variation 5012336 (VCV005012336.1).

ClinVar aggregate classification (germline): Pathogenic (1 of 4 stars; one submission).

Conditions:
Polycystic kidney disease 4 (PKD4). Also called: POLYCYSTIC KIDNEY AND HEPATIC DISEASE 1; POLYCYSTIC KIDNEY DISEASE, INFANTILE, TYPE I; POLYCYSTIC KIDNEY DISEASE 4 WITH OR WITHOUT POLYCYSTIC LIVER DISEASE; PKD3; Autosomal Recessive Polycystic Kidney Disease – PKHD1. Identifiers: MedGen C4540575, MONDO:0033004, OMIM 263200.

Submission:

Myriad Genetics, Inc.
Classification: Pathogenic for Polycystic kidney disease 4. Last evaluated: 2023-09-29. Review status: criteria provided, single submitter. Criteria: Myriad Autosomal Dominant, Autosomal Recessive and X-Linked Classification Criteria (2023). Collection method: clinical testing. Allele origin: unknown.
Comment: NM_138694.3(PKHD1):c.9522delC(D3174Efs*9) is expected to be pathogenic in the context of autosomal recessive polycystic kidney disease, PKHD1-related. This variant is predicted to lead to an abnormal or absent protein product due to the creation of a premature termination codon in PKHD1, a gene where loss-of-function variants are known to be pathogenic. Please note: this variant was assessed in the context of healthy population screening.